The following is an entry in ClinVar:

ClinVar aggregate classification (germline): Pathogenic (1 of 4 stars; one submission).

Conditions:
Early-infantile DEE. Also called: Early infantile epileptic encephalopathy; Ohtahara syndrome; Early infantile epileptic encephalopathy with suppression bursts. Identifiers: Orphanet 1934, MedGen C0393706, MONDO:0800491.

Submission:

Labcorp Genetics (formerly Invitae), Labcorp
Classification: Pathogenic for Early-infantile DEE. Last evaluated: 2024-03-11. Review status: criteria provided, single submitter. Criteria: Invitae Variant Classification Sherloc (09022015). Collection method: clinical testing. Allele origin: germline.
Comment: This sequence change replaces asparagine, which is neutral and polar, with serine, which is neutral and polar, at codon 1476 of the SCN1A protein (p.Asn1476Ser). This variant is not present in population databases (gnomAD no frequency). This missense change has been observed in individual(s) with clinical features of SCN1A-related conditions (Invitae). In at least one individual the variant was observed to be de novo. ClinVar contains an entry for this variant (Variation ID: 1456163). Advanced modeling of protein sequence and biophysical properties (such as structural, functional, and spatial information, amino acid conservation, physicochemical variation, residue mobility, and thermodynamic stability) performed at Invitae indicates that this missense variant is expected to disrupt SCN1A protein function with a positive predictive value of 95%. This variant disrupts the p.Asn1476 amino acid residue in SCN1A. Other variant(s) that disrupt this residue have been determined to be pathogenic (PMID: 21248271; Invitae). This suggests that this residue is clinically significant, and that variants that disrupt this residue are likely to be disease-causing. For these reasons, this variant has been classified as Pathogenic.

Literature cited by the submitters: PubMed 21248271.

NM_001165963.4(SCN1A):c.4427A>G (p.Asn1476Ser)

Genes: SCN1A (sodium voltage-gated channel alpha subunit 1; minus strand), LOC102724058 (uncharacterized LOC102724058; plus strand). Cytogenetic location: 2q24.3.
Variant type: single nucleotide variant.
Coding change: c.4427A>G on transcript NM_001165963.4 (MANE Select); coding-DNA position 4427, A replaced by G.
Protein change: p.Asn1476Ser; replaces asparagine 1476 with serine.
Molecular consequence: missense variant. On other transcripts: non-coding transcript variant (1).
Genome position (GRCh38, 1-based): chr2:165,998,087, T>C on the plus strand (A>G on the coding strand, the complement: SCN1A is on the minus strand). VCF-style: chr2-165998087-T-C. GRCh37 (hg19) VCF-style: chr2-166854597-T-C.
Other names: c.4343A>G, p.Asn1448Ser (NM_001165964.3, NM_001353957.2, NM_001353958.2); c.4427A>G, p.Asn1476Ser (NM_001202435.3, NM_001353948.2); c.4394A>G, p.Asn1465Ser (NM_001353949.2, NM_001353950.2, NM_001353951.2 and 2 more transcripts); c.4391A>G, p.Asn1464Ser (NM_001353954.2, NM_001353955.2); c.4340A>G, p.Asn1447Ser (NM_001353960.2); c.1985A>G, p.Asn662Ser (NM_001353961.2); short protein forms N1465S, N1476S, N662S, N1447S, N1464S, N1448S.
Identifiers: ClinVar variation 1456163 (VCV001456163.9), dbSNP rs2105476040, ClinGen allele CA349049309.
Genomic context (GRCh38, chr2:165,998,087, plus strand): 5'-GAAATACTTATCTTCTTTTTCTGCTGGTTGAAATTATCTATGATGACACCAATAAACAGG[T>C]TCAAGGTGAAGAAGGACCCAAAGATGATGAAAATAACAAAGTAAAGATACATGTACAGAC-3'
Protein context (NP_001159435.1, residues 1466-1486): FIIFGSFFTL[Asn1476Ser]LFIGVIIDNF